The following is an entry in ClinVar:

ClinVar aggregate classification (germline): Conflicting classifications of pathogenicity. Review status: criteria provided, conflicting classifications (1 of 4 stars). 4 submissions from 4 submitters: Uncertain significance (1); Likely benign (2). 1 of the submissions does not count toward it. Last evaluated 2025-12-23.

Conditions:
SDCCAG8-related disorder. Also called: SDCCAG8-Related Disorders; SDCCAG8-related condition.
Bardet-Biedl syndrome 16 (BBS16). Identifiers: Orphanet 110, MedGen C3889474, MONDO:0014444, OMIM 615993.
Senior-Loken syndrome 7 (SLSN7). Identifiers: Orphanet 3156, MedGen C3150877, MONDO:0013326, OMIM 613615.

Allele frequency attached by ClinVar (database versions not stated): gnomAD exomes 0.00014; ExAC 0.00017; 1000 Genomes Project 0.00040; 1000 Genomes Project 30x 0.00047; ESP Exome Variant Server 0.00054; gnomAD 0.00070 and 0.00077; TOPMed 0.00072.
gnomAD v4.1: 190 of 1,613,920 alleles (0.012%); highest among the groups gnomAD compares: African/African-American, 0.23%; no homozygotes.

Submissions (4):

Labcorp Genetics (formerly Invitae), Labcorp
Classification: Likely benign for Bardet-Biedl syndrome 16; Senior-Loken syndrome 7. Last evaluated: 2025-12-23. Review status: criteria provided, single submitter. Criteria: Invitae Variant Classification Sherloc (09022015). Collection method: clinical testing. Allele origin: germline.

Blueprint Genetics
Classification: Likely benign. Last evaluated: 2024-04-11. Review status: criteria provided, single submitter. Criteria: ACMG Guidelines, 2015. Collection method: clinical testing. Allele origin: germline.

Eurofins Ntd Llc (ga)
Classification: Uncertain significance. Last evaluated: 2014-09-03. Review status: criteria provided, single submitter. Criteria: EGL Classification Definitions 2015. Collection method: clinical testing. Allele origin: germline. Observed: 1 variant allele, 1 heterozygote.

PreventionGenetics, part of Exact Sciences
Classification: Likely benign for SDCCAG8-related condition. Last evaluated: 2019-11-27. Review status: no assertion criteria provided. Collection method: clinical testing. Allele origin: germline. Not counted in ClinVar's aggregate classification.
Comment: This variant is classified as likely benign based on ACMG/AMP sequence variant interpretation guidelines (Richards et al. 2015 PMID: 25741868, with internal and published modifications).

NM_006642.5(SDCCAG8):c.1380G>C (p.Gln460His)

Gene: SDCCAG8 (SHH signaling and ciliogenesis regulator SDCCAG8; plus strand). Cytogenetic location: 1q43.
Variant type: single nucleotide variant.
Coding change: c.1380G>C on transcript NM_006642.5 (MANE Select); coding-DNA position 1380, G replaced by C.
Protein change: p.Gln460His; replaces glutamine 460 with histidine.
Molecular consequence: missense variant.
Genome position (GRCh38, 1-based): chr1:243,344,238, G>C. VCF-style: chr1-243344238-G-C. GRCh37 (hg19) VCF-style: chr1-243507540-G-C.
Other names: c.477G>C, p.Gln159His (NM_001350246.2, NM_001350247.2, NM_001350251.2); c.1476G>C, p.Gln492His (NM_001350248.2); c.1086G>C, p.Gln362His (NM_001350249.2); short protein forms Q460H, Q159H, Q492H, Q362H.
Identifiers: ClinVar variation 194077 (VCV000194077.18), dbSNP rs79762798, ClinGen allele CA239877.